The following is an entry in ClinVar:

ClinVar aggregate classification (germline): Uncertain significance (1 of 4 stars; one submission).

Allele frequency attached by ClinVar (database versions not stated): TOPMed below 0.00001; gnomAD exomes below 0.00001.
gnomAD v4.1: 1 of 1,610,552 alleles (0.000062%); highest among the groups gnomAD compares: Admixed American, 0.0017%; no homozygotes.

Submission:

Labcorp Genetics (formerly Invitae), Labcorp
Classification: Uncertain significance. Last evaluated: 2025-10-21. Review status: criteria provided, single submitter. Criteria: Invitae Variant Classification Sherloc (09022015). Collection method: clinical testing. Allele origin: germline.
Comment: This sequence change replaces glutamic acid, which is acidic and polar, with lysine, which is basic and polar, at codon 462 of the TNNI3K protein (p.Glu462Lys). This variant is present in population databases (no rsID available, gnomAD 0.003%). This variant has not been reported in the literature in individuals affected with TNNI3K-related conditions. ClinVar contains an entry for this variant (Variation ID: 2988195). Invitae Evidence Modeling of protein sequence and biophysical properties (such as structural, functional, and spatial information, amino acid conservation, physicochemical variation, residue mobility, and thermodynamic stability) indicates that this missense variant is not expected to disrupt TNNI3K protein function with a negative predictive value of 80%. In summary, the available evidence is currently insufficient to determine the role of this variant in disease. Therefore, it has been classified as a Variant of Uncertain Significance.

NM_015978.3(TNNI3K):c.1384G>A (p.Glu462Lys)

Genes: TNNI3K (TNNI3 interacting kinase; plus strand), FPGT-TNNI3K (FPGT-TNNI3K readthrough; plus strand). Cytogenetic location: 1p31.1.
Variant type: single nucleotide variant.
Coding change: c.1384G>A on transcript NM_015978.3 (MANE Select); coding-DNA position 1384, G replaced by A.
Protein change: p.Glu462Lys; replaces glutamic acid 462 with lysine.
Molecular consequence: missense variant.
Genome position (GRCh38, 1-based): chr1:74,369,084, G>A. VCF-style: chr1-74369084-G-A. GRCh37 (hg19) VCF-style: chr1-74834768-G-A.
Other names: c.1687G>A, p.Glu563Lys (NM_001112808.3, NM_001199327.2); short protein forms E563K, E462K.
Identifiers: ClinVar variation 2988195 (VCV002988195.3), dbSNP rs1224193012, ClinGen allele CA340785831.